The following is an entry in ClinVar:

ClinVar aggregate classification (germline): Conflicting classifications of pathogenicity. Review status: criteria provided, conflicting classifications (1 of 4 stars). 2 submissions from 2 submitters: Likely pathogenic (1); Uncertain significance (1). Last evaluated 2024-09-18.

Conditions:
Seckel syndrome 4 (SCKL4). Identifiers: Orphanet 808, MedGen C3888212, MONDO:0013358, OMIM 613676.
Microcephaly 6, primary, autosomal recessive. Identifiers: Orphanet 2512, MedGen C1842109, MONDO:0012029, OMIM 608393.

Submissions (2):

Blueprint Genetics
Classification: Uncertain significance. Last evaluated: 2024-09-18. Review status: criteria provided, single submitter. Criteria: ACMG Guidelines, 2015. Collection method: clinical testing. Allele origin: germline.

Juno Genomics, Hangzhou Juno Genomics, Inc
Classification: Likely pathogenic for Seckel syndrome 4; Microcephaly 6, primary, autosomal recessive. Review status: criteria provided, single submitter. Criteria: ACMG Guidelines, 2015. Collection method: clinical testing. Allele origin: germline.
Comment: Null variant in a gene where loss of function (LOF) is a known mechanism of disease.;Absent from controls (or at extremely low frequency if recessive) in Genome Aggregation Database.

NM_018451.5(CPAP):c.3619-1G>T

Genes: CPAP (centrosome assembly and centriole elongation protein; minus strand), RNF17 (ring finger protein 17; plus strand). Cytogenetic location: 13q12.12.
Variant type: single nucleotide variant.
Coding change: c.3619-1G>T on transcript NM_018451.5 (MANE Select); the canonical splice acceptor site of the intron before coding-DNA position 3619, G replaced by T.
Molecular consequence: splice acceptor variant.
Genome position (GRCh38, 1-based): chr13:24,884,246, C>A on the plus strand (G>T on the coding strand, the complement: CPAP is on the minus strand). VCF-style: chr13-24884246-C-A. GRCh37 (hg19) VCF-style: chr13-25458384-C-A.
Identifiers: ClinVar variation 4919469 (VCV004919469.3).